The following is an entry in ClinVar:

NM_003743.5(NCOA1):c.569G>A (p.Arg190Gln)

Gene: NCOA1 (nuclear receptor coactivator 1; plus strand). Cytogenetic location: 2p23.3.
Variant type: single nucleotide variant.
Coding change: c.569G>A on transcript NM_003743.5 (MANE Select); coding-DNA position 569, G replaced by A.
Protein change: p.Arg190Gln; replaces arginine 190 with glutamine.
Molecular consequence: missense variant.
Genome position (GRCh38, 1-based): chr2:24,691,517, G>A. VCF-style: chr2-24691517-G-A. GRCh37 (hg19) VCF-style: chr2-24914386-G-A.
Other names: c.569G>A, p.Arg190Gln (NM_001362950.1, NM_001362952.1, NM_001362954.1 and 3 more transcripts); short protein forms R190Q.
Identifiers: ClinVar variation 4989880 (VCV004989880.1).

ClinVar aggregate classification (germline): Uncertain significance (1 of 4 stars; one submission).

Conditions:
NCOA1-related disorder. Also called: NCOA1-related condition.

gnomAD v4.1: 47 of 1,613,836 alleles (0.0029%); highest among the groups gnomAD compares: Non-Finnish European, 0.0036%; no homozygotes.

Submission:

PreventionGenetics, part of Exact Sciences
Classification: Uncertain significance for NCOA1-related condition. Last evaluated: 2026-05-14. Review status: criteria provided, single submitter. Criteria: ACMG Guidelines, 2015. Collection method: clinical testing. Allele origin: germline.
Comment: The NCOA1 c.569G>A variant is predicted to result in the amino acid substitution p.Arg190Gln. To our knowledge, this variant has not been reported in the literature. This variant is reported in 0.00088% of alleles in individuals of European (Non-Finnish) descent in gnomAD. At this time, the clinical significance of this variant is uncertain due to the absence of conclusive functional and genetic evidence.